The following is an entry in ClinVar:

NM_001174147.2(LMX1B):c.*2160C>T

Gene: LMX1B (LIM homeobox transcription factor 1 beta; plus strand). Cytogenetic location: 9q33.3.
Variant type: single nucleotide variant.
Coding change: c.*2160C>T on transcript NM_001174147.2 (MANE Select); 2160 bases downstream of the stop codon, C replaced by T.
Molecular consequence: 3 prime UTR variant.
Genome position (GRCh38, 1-based): chr9:126,698,611, C>T. VCF-style: chr9-126698611-C-T. GRCh37 (hg19) VCF-style: chr9-129460890-C-T.
Other names: c.*2160C>T (NM_001174146.2, NM_002316.4).
Identifiers: ClinVar variation 364951 (VCV000364951.5), dbSNP rs145937520, ClinGen allele CA10632473.
Genomic context (GRCh38, chr9:126,698,611, plus strand): 5'-GGCTGGGCTGCTGGGGCCTGACTGGTGAGCCCACCCTGTCCCCTGGTGATCACTGTGTCC[C>T]CTTGTTCAGGTGCTCACAACCCTACCTTTAACTCTGAGGTCAAGCCCTAGGCCACCACCC-3'

ClinVar aggregate classification (germline): Benign (1 of 4 stars; one submission).

Conditions:
Nail-patella syndrome (NPS). Also called: FONG DISEASE; ONYCHOOSTEODYSPLASIA; TURNER-KIESER SYNDROME. Identifiers: Orphanet 2614, MedGen C0027341, MONDO:0008061, OMIM 161200.

Allele frequency attached by ClinVar (database versions not stated): gnomAD 0.00014 and 0.00021; TOPMed 0.00031; 1000 Genomes Project 30x 0.00109; 1000 Genomes Project 0.00120.

Submission:

Illumina Laboratory Services, Illumina
Classification: Benign for Nail-patella syndrome. Last evaluated: 2018-01-12. Review status: criteria provided, single submitter. Criteria: ICSL Variant Classification Criteria 13 December 2019. Collection method: clinical testing. Allele origin: germline.
Comment: This variant was observed in the ICSL laboratory as part of a predisposition screen in an ostensibly healthy population. It had not been previously curated by ICSL or reported in the Human Gene Mutation Database (HGMD: prior to June 1st, 2018), and was therefore a candidate for classification through an automated scoring system. Utilizing variant allele frequency, disease prevalence and penetrance estimates, and inheritance mode, an automated score was calculated to assess if this variant is too frequent to cause the disease. Based on the score and internal cut-off values, a variant classified as benign is not then subjected to further curation. The score for this variant resulted in a classification of benign for this disease.